The following is an entry in ClinVar:

ClinVar aggregate classification (germline): Likely benign. Review status: criteria provided, multiple submitters, no conflicts (2 of 4 stars). 5 submissions from 5 submitters: Likely benign (5). Last evaluated 2025-05-19.

Conditions:
PRX-related disorder. Also called: PRX-Related Disorders; PRX-related condition.
Inborn genetic diseases. Identifiers: MedGen C0950123, MeSH D030342.
Charcot-Marie-Tooth disease type 4. Also called: Charcot-Marie-Tooth disease, type IV; Charcot-Marie-Tooth, Type 4. Identifiers: Orphanet 64749, MedGen C4082197, MONDO:0018995.

Allele frequency attached by ClinVar (database versions not stated): TOPMed 0.00005; ExAC 0.00001; gnomAD 0.00002; gnomAD exomes 0.00002.
gnomAD v4.1: 9 of 1,593,336 alleles (0.00056%); highest among the groups gnomAD compares: Admixed American, 0.0017%; no homozygotes.

Submissions (5):

Mayo Clinic Laboratories, Mayo Clinic
Classification: Likely benign. Last evaluated: 2025-05-19. Review status: criteria provided, single submitter. Criteria: ACMG Guidelines, 2015. Collection method: clinical testing. Allele origin: germline. Observed: 1 variant allele.
Comment: BP4, BP7

Labcorp Genetics (formerly Invitae), Labcorp
Classification: Likely benign for Charcot-Marie-Tooth disease type 4. Last evaluated: 2025-04-23. Review status: criteria provided, single submitter. Criteria: Invitae Variant Classification Sherloc (09022015). Collection method: clinical testing. Allele origin: germline.

PreventionGenetics, part of Exact Sciences
Classification: Likely benign for PRX-related condition. Last evaluated: 2025-04-10. Review status: criteria provided, single submitter. Criteria: ACMG Guidelines, 2015. Collection method: clinical testing. Allele origin: germline.
Comment: This variant is classified as likely benign based on ACMG/AMP sequence variant interpretation guidelines (Richards et al. 2015 PMID: 25741868, with internal and published modifications).

Ambry Genetics
Classification: Likely benign for Inborn genetic diseases. Last evaluated: 2019-07-11. Review status: criteria provided, single submitter. Criteria: Ambry Variant Classification Scheme 2023. Collection method: clinical testing. Allele origin: germline.

GeneDx
Classification: Likely benign. Last evaluated: 2016-10-31. Review status: criteria provided, single submitter. Criteria: GeneDx Variant Classification (06012015). Collection method: clinical testing. Allele origin: germline. Affected: yes.
Comment: This variant is considered likely benign or benign based on one or more of the following criteria: it is a conservative change, it occurs at a poorly conserved position in the protein, it is predicted to be benign by multiple in silico algorithms, and/or has population frequency not consistent with disease.

NM_181882.3(PRX):c.4206C>T (p.Pro1402=)

Gene: PRX (periaxin; minus strand). Cytogenetic location: 19q13.2.
Variant type: single nucleotide variant.
Coding change: c.4206C>T on transcript NM_181882.3 (MANE Select); coding-DNA position 4206, C replaced by T.
Protein change: p.Pro1402=; no amino-acid change (proline 1402 retained).
Molecular consequence: synonymous variant. On other transcripts: 3 prime UTR variant (1).
Genome position (GRCh38, 1-based): chr19:40,394,146, G>A on the plus strand (C>T on the coding strand, the complement: PRX is on the minus strand). VCF-style: chr19-40394146-G-A. GRCh37 (hg19) VCF-style: chr19-40900053-G-A.
Other names: p.Pro1402=; c.*4411C>T (NM_020956.2).
Identifiers: ClinVar variation 383597 (VCV000383597.13), dbSNP rs771992595, ClinGen allele CA9443665.